The following is an entry in ClinVar:

NM_000455.5(STK11):c.1213A>T (p.Arg405Trp)

Gene: STK11 (serine/threonine kinase 11; plus strand). Cytogenetic location: 19p13.3.
Variant type: single nucleotide variant.
Coding change: c.1213A>T on transcript NM_000455.5 (MANE Select); coding-DNA position 1213, A replaced by T.
Protein change: p.Arg405Trp; replaces arginine 405 with tryptophan.
Molecular consequence: missense variant.
Genome position (GRCh38, 1-based): chr19:1,226,558, A>T. VCF-style: chr19-1226558-A-T. GRCh37 (hg19) VCF-style: chr19-1226557-A-T.
Other names: short protein forms R405W.
Identifiers: ClinVar variation 185035 (VCV000185035.21), dbSNP rs376718324, ClinGen allele CA022477.
Genomic context (GRCh38, chr19:1,226,558, plus strand): 5'-GGCCTCCCCAAGGCCGTGTGTATGAACGGCACAGAGGCGGCGCAGCTGAGCACCAAATCC[A>T]GGGCGGAGGGCCGGGCCCCCAACCCTGCCCGCAAGGCCTGCTCCGCCAGCAGCAAGATCC-3'
Protein context (NP_000446.1, residues 395-415): TEAAQLSTKS[Arg405Trp]AEGRAPNPAR

ClinVar aggregate classification (germline): Uncertain significance. Review status: criteria provided, multiple submitters, no conflicts (2 of 4 stars). 5 submissions from 5 submitters: Uncertain significance (5). Last evaluated 2025-10-23.

Conditions:
Hereditary cancer-predisposing syndrome. Also called: Tumor predisposition; Hereditary Cancer Syndrome; Hereditary neoplastic syndrome; Neoplastic Syndromes, Hereditary. Identifiers: Orphanet 140162, MedGen C0027672, MeSH D009386, MONDO:0015356.
Melanoma, cutaneous malignant, susceptibility to, 1 (CMM1). Also called: B-K MOLE SYNDROME; MELANOMA, MALIGNANT; DYSPLASTIC NEVUS SYNDROME, HEREDITARY; FAMILIAL ATYPICAL MOLE-MALIGNANT MELANOMA SYNDROME. Identifiers: Orphanet 618, MedGen C1835047, MONDO:0007963, OMIM 155600.
Peutz-Jeghers syndrome (PJS). Also called: POLYPOSIS, HAMARTOMATOUS INTESTINAL; POLYPS-AND-SPOTS SYNDROME; Peutz-Jeghers polyposis; Periorificial lentiginosis syndrome. Identifiers: Orphanet 2869, MedGen C0031269, MeSH D010580, MONDO:0008280, OMIM 175200.

Allele frequency attached by ClinVar (database versions not stated): gnomAD exomes below 0.00001; TOPMed below 0.00001; gnomAD 0.00001; ESP Exome Variant Server 0.00008.

Submissions (5):

Ambry Genetics
Classification: Uncertain significance for Hereditary cancer-predisposing syndrome. Last evaluated: 2025-10-23. Review status: criteria provided, single submitter. Criteria: Ambry Variant Classification Scheme 2023. Collection method: clinical testing. Allele origin: germline.
Comment: The p.R405W variant (also known as c.1213A>T), located in coding exon 9 of the STK11 gene, results from an A to T substitution at nucleotide position 1213. The arginine at codon 405 is replaced by tryptophan, an amino acid with dissimilar properties. This amino acid position is not well conserved in available vertebrate species. In addition, this alteration is predicted to be tolerated by in silico analysis. Since supporting evidence is limited at this time, the clinical significance of this alteration remains unclear.

Labcorp Genetics (formerly Invitae), Labcorp
Classification: Uncertain significance for Peutz-Jeghers syndrome. Last evaluated: 2025-02-19. Review status: criteria provided, single submitter. Criteria: Invitae Variant Classification Sherloc (09022015). Collection method: clinical testing. Allele origin: germline.
Comment: This sequence change replaces arginine, which is basic and polar, with tryptophan, which is neutral and slightly polar, at codon 405 of the STK11 protein (p.Arg405Trp). This variant is not present in population databases (gnomAD no frequency). This variant has not been reported in the literature in individuals affected with STK11-related conditions. ClinVar contains an entry for this variant (Variation ID: 185035). Invitae Evidence Modeling of protein sequence and biophysical properties (such as structural, functional, and spatial information, amino acid conservation, physicochemical variation, residue mobility, and thermodynamic stability) indicates that this missense variant is not expected to disrupt STK11 protein function with a negative predictive value of 95%. In summary, the available evidence is currently insufficient to determine the role of this variant in disease. Therefore, it has been classified as a Variant of Uncertain Significance.

Baylor Genetics
Classification: Uncertain significance for Melanoma, cutaneous malignant, susceptibility to, 1. Last evaluated: 2023-06-16. Review status: criteria provided, single submitter. Criteria: ACMG Guidelines, 2015. Collection method: clinical testing. Allele origin: unknown.

Color Diagnostics, LLC DBA Color Health
Classification: Uncertain significance for Hereditary cancer-predisposing syndrome. Last evaluated: 2022-04-05. Review status: criteria provided, single submitter. Criteria: ACMG Guidelines, 2015. Collection method: clinical testing. Allele origin: germline.
Comment: This missense variant replaces arginine with tryptophan at codon 405 of the STK11 protein. Computational prediction suggests that this variant may not impact protein structure and function (internally defined REVEL score threshold <= 0.5, PMID: 27666373). To our knowledge, functional studies have not been reported for this variant. This variant has not been reported in individuals affected with hereditary cancer in the literature. This variant has not been identified in the general population by the Genome Aggregation Database (gnomAD). The available evidence is insufficient to determine the role of this variant in disease conclusively. Therefore, this variant is classified as a Variant of Uncertain Significance.

Genome-Nilou Lab
Classification: Uncertain significance for Peutz-Jeghers syndrome. Last evaluated: 2021-07-15. Review status: criteria provided, single submitter. Criteria: ACMG Guidelines, 2015. Collection method: clinical testing. Allele origin: germline. Affected: no.